The following is an entry in ClinVar:

NM_001903.5(CTNNA1):c.300A>T (p.Gln100His)

Gene: CTNNA1 (catenin alpha 1; plus strand). Cytogenetic location: 5q31.2.
Variant type: single nucleotide variant.
Coding change: c.300A>T on transcript NM_001903.5 (MANE Select); coding-DNA position 300, A replaced by T.
Protein change: p.Gln100His; replaces glutamine 100 with histidine.
Molecular consequence: missense variant. On other transcripts: intron variant (2).
Genome position (GRCh38, 1-based): chr5:138,783,371, A>T. VCF-style: chr5-138783371-A-T. GRCh37 (hg19) VCF-style: chr5-138119060-A-T.
Other names: c.300A>T, p.Gln100His (NM_001290307.3, NM_001323982.2, NM_001323983.1 and 3 more transcripts); c.-6+99A>T (NM_001290310.3); c.-9+1342A>T (NM_001290309.3); short protein forms Q100H.
Identifiers: ClinVar variation 1004143 (VCV001004143.8), dbSNP rs1755344564, ClinGen allele CA361477721.

ClinVar aggregate classification (germline): Uncertain significance (1 of 4 stars; one submission).

Submission:

Labcorp Genetics (formerly Invitae), Labcorp
Classification: Uncertain significance. Last evaluated: 2020-07-19. Review status: criteria provided, single submitter. Criteria: Invitae Variant Classification Sherloc (09022015). Collection method: clinical testing. Allele origin: germline.
Comment: In summary, the available evidence is currently insufficient to determine the role of this variant in disease. Therefore, it has been classified as a Variant of Uncertain Significance. Algorithms developed to predict the effect of sequence changes on RNA splicing suggest that this variant may disrupt the consensus splice site, but this prediction has not been confirmed by published transcriptional studies. Algorithms developed to predict the effect of missense changes on protein structure and function are either unavailable or do not agree on the potential impact of this missense change (SIFT: "Deleterious"; PolyPhen-2: "Benign"; Align-GVGD: "Class C0"). This variant has not been reported in the literature in individuals with CTNNA1-related conditions. This variant is not present in population databases (ExAC no frequency). This sequence change replaces glutamine with histidine at codon 100 of the CTNNA1 protein (p.Gln100His). The glutamine residue is highly conserved and there is a small physicochemical difference between glutamine and histidine.